The following is an entry in ClinVar:

ClinVar aggregate classification (germline): Pathogenic (1 of 4 stars; one submission).

Conditions:
Autosomal recessive nonsyndromic hearing loss 9. Also called: NEUROSENSORY NONSYNDROMIC RECESSIVE DEAFNESS 9; OTOF-Related Hearing Loss; Deafness, autosomal recessive 9; AUDITORY NEUROPATHY, AUTOSOMAL RECESSIVE, 1, TEMPERATURE-SENSITIVE. Identifiers: Orphanet 90636, MedGen C1832828, MONDO:0010986, OMIM 601071.

Submission:

Institute of Rare Diseases, West China Hospital, Sichuan University
Classification: Pathogenic for Autosomal recessive nonsyndromic hearing loss 9. Last evaluated: 2025-01-09. Review status: criteria provided, single submitter. Criteria: ClinGen HL ACMG Specifications v1. Collection method: research. Allele origin: germline. Affected: yes.
Comment: PVS1;PM3_Supporting;PM2_Supporting

NM_194248.3(OTOF):c.2744G>A (p.Trp915Ter)

Gene: OTOF (otoferlin; minus strand). Cytogenetic location: 2p23.3.
Variant type: single nucleotide variant.
Coding change: c.2744G>A on transcript NM_194248.3 (MANE Select); coding-DNA position 2744, G replaced by A.
Protein change: p.Trp915Ter; replaces tryptophan 915 with a stop codon.
Molecular consequence: nonsense.
Genome position (GRCh38, 1-based): chr2:26,476,250, C>T on the plus strand (G>A on the coding strand, the complement: OTOF is on the minus strand). VCF-style: chr2-26476250-C-T. GRCh37 (hg19) VCF-style: chr2-26699118-C-T.
Other names: c.2744G>A, p.Trp915Ter (NM_001287489.2); c.503G>A, p.Trp168Ter (NM_004802.4, NM_194323.3); c.674G>A, p.Trp225Ter (NM_194322.3); short protein forms W168*, W225*, W915*.
Identifiers: ClinVar variation 3601533 (VCV003601533.1).